The following is an entry in ClinVar:

ClinVar aggregate classification (germline): Likely pathogenic (1 of 4 stars; one submission).

Conditions:
Heterotaxy, visceral, 12, autosomal (HTX12). Identifiers: MedGen C5676898, MONDO:0859222, OMIM 619702.

Submission:

Variantyx, Inc.
Classification: Likely pathogenic for Heterotaxy, visceral, 12, autosomal. Last evaluated: 2025-10-21. Review status: criteria provided, single submitter. Criteria: Variantyx Assertion Criteria 2022. Collection method: clinical testing. Allele origin: germline. Inheritance: Autosomal recessive inheritance. Affected: no.
Comment: This is a frameshift variant in the CIROP gene (OMIM: 619703). Pathogenic variants in this gene have been associated with autosomal recessive visceral heterotaxy 12. This variant introduces a premature termination codon in exon 1 out of 16 and is expected to result in loss of function, which is a proposed disease mechanism for CIROP in this disorder (PMID: 34903892) (PVS1). This variant has a 0.0122% maximum allele frequency in non-founder control populations (PM2). Based on the current evidence, this variant is classified as likely pathogenic for autosomal recessive visceral heterotaxy 12.No other variant of clinical significance was identified in the CIROP gene.

Literature cited by the submitters: PubMed 34903892.

NM_001354640.2(CIROP):c.302del (p.Arg101fs)

Gene: CIROP (ciliated left-right organizer metallopeptidase; minus strand). Cytogenetic location: 14q11.2.
Variant type: Deletion.
Coding change: c.302del on transcript NM_001354640.2 (MANE Select); coding-DNA position 302, one base deleted (G; older notation c.302delG).
Protein change: p.Arg101fs; shifts the reading frame from arginine 101.
Molecular consequence: frameshift variant.
Genome position (GRCh38, 1-based): chr14:23,104,619, C deleted on the plus strand (G on the coding strand, the reverse complement: CIROP is on the minus strand). VCF-style (leftmost placement, unchanged base first): chr14-23104618-TC-T. GRCh37 (hg19) VCF-style: chr14-23573827-TC-T.
Other names: c.302del, p.Arg101fs (NM_001402427.1); short protein forms R101fs.
Identifiers: ClinVar variation 4849971 (VCV004849971.1).